The following is an entry in ClinVar:

NM_015466.4(PTPN23):c.2709T>C (p.Pro903=)

Gene: PTPN23 (protein tyrosine phosphatase non-receptor type 23; plus strand). Cytogenetic location: 3p21.31.
Variant type: single nucleotide variant.
Coding change: c.2709T>C on transcript NM_015466.4 (MANE Select); coding-DNA position 2709, T replaced by C.
Protein change: p.Pro903=; no amino-acid change (proline 903 retained).
Molecular consequence: synonymous variant.
Genome position (GRCh38, 1-based): chr3:47,410,507, T>C. VCF-style: chr3-47410507-T-C. GRCh37 (hg19) VCF-style: chr3-47451997-T-C.
Other names: c.2331T>C, p.Pro777= (NM_001304482.2).
Identifiers: ClinVar variation 3044677 (VCV003044677.2), dbSNP rs751232030, ClinGen allele CA433605343.

ClinVar aggregate classification (germline): Likely benign (0 of 4 stars; one submission).

Conditions:
PTPN23-related disorder. Also called: PTPN23-related condition.

Submission:

PreventionGenetics, part of Exact Sciences
Classification: Likely benign for PTPN23-related condition. Last evaluated: 2019-06-07. Review status: no assertion criteria provided. Collection method: clinical testing. Allele origin: germline.
Comment: This variant is classified as likely benign based on ACMG/AMP sequence variant interpretation guidelines (Richards et al. 2015 PMID: 25741868, with internal and published modifications).